The following is an entry in ClinVar:

NM_001004334.4(GPR179):c.989G>T (p.Gly330Val)

Gene: GPR179 (G protein-coupled receptor 179; minus strand). Cytogenetic location: 17q12.
Variant type: single nucleotide variant.
Coding change: c.989G>T on transcript NM_001004334.4 (MANE Select); coding-DNA position 989, G replaced by T.
Protein change: p.Gly330Val; replaces glycine 330 with valine.
Molecular consequence: missense variant.
Genome position (GRCh38, 1-based): chr17:38,337,635, C>A on the plus strand (G>T on the coding strand, the complement: GPR179 is on the minus strand). VCF-style: chr17-38337635-C-A. GRCh37 (hg19) VCF-style: chr17-36493518-C-A.
Other names: short protein forms G330V.
Identifiers: ClinVar variation 323026 (VCV000323026.11), dbSNP rs372908857, ClinGen allele CA10649173.

ClinVar aggregate classification (germline): Conflicting classifications of pathogenicity. Review status: criteria provided, conflicting classifications (1 of 4 stars). 4 submissions from 4 submitters: Uncertain significance (3); Likely benign (1). Last evaluated 2024-12-16.

Conditions:
Congenital stationary night blindness 1E. Also called: Night blindness, congenital stationary (complete), 1E, autosomal recessive. Identifiers: Orphanet 215, MedGen C3281215, MONDO:0013807, OMIM 614565.
Inborn genetic diseases. Identifiers: MedGen C0950123, MeSH D030342.

Allele frequency attached by ClinVar (database versions not stated): gnomAD 0.00018 and 0.00019; gnomAD exomes 0.00023; TOPMed 0.00023; ESP Exome Variant Server 0.00025; ExAC 0.00028.

Submissions (4):

Labcorp Genetics (formerly Invitae), Labcorp
Classification: Uncertain significance. Last evaluated: 2024-12-16. Review status: criteria provided, single submitter. Criteria: Invitae Variant Classification Sherloc (09022015). Collection method: clinical testing. Allele origin: germline.
Comment: This sequence change replaces glycine, which is neutral and non-polar, with valine, which is neutral and non-polar, at codon 330 of the GPR179 protein (p.Gly330Val). This variant is present in population databases (rs372908857, gnomAD 0.04%). This variant has not been reported in the literature in individuals affected with GPR179-related conditions. ClinVar contains an entry for this variant (Variation ID: 323026). An algorithm developed to predict the effect of missense changes on protein structure and function (PolyPhen-2) suggests that this variant¬†is likely to be tolerated. In summary, the available evidence is currently insufficient to determine the role of this variant in disease. Therefore, it has been classified as a Variant of Uncertain Significance.

Blueprint Genetics
Classification: Likely benign. Last evaluated: 2024-10-07. Review status: criteria provided, single submitter. Criteria: ACMG Guidelines, 2015. Collection method: clinical testing. Allele origin: germline.

Ambry Genetics
Classification: Uncertain significance for Inborn genetic diseases. Last evaluated: 2021-10-26. Review status: criteria provided, single submitter. Criteria: Ambry Variant Classification Scheme 2023. Collection method: clinical testing. Allele origin: germline.

Illumina Laboratory Services, Illumina
Classification: Uncertain significance for Congenital stationary night blindness 1E. Last evaluated: 2018-01-12. Review status: criteria provided, single submitter. Criteria: ICSL Variant Classification Criteria 13 December 2019. Collection method: clinical testing. Allele origin: germline.